The following is an entry in ClinVar:

NM_018100.4(EFHC1):c.458G>A (p.Arg153Gln)

Gene: EFHC1 (EF-hand domain containing 1; plus strand). Cytogenetic location: 6p12.2.
Variant type: single nucleotide variant.
Coding change: c.458G>A on transcript NM_018100.4 (MANE Select); coding-DNA position 458, G replaced by A.
Protein change: p.Arg153Gln; replaces arginine 153 with glutamine.
Molecular consequence: missense variant. On other transcripts: non-coding transcript variant (1).
Genome position (GRCh38, 1-based): chr6:52,438,476, G>A. VCF-style: chr6-52438476-G-A. GRCh37 (hg19) VCF-style: chr6-52303274-G-A.
Other names: c.401G>A, p.Arg134Gln (NM_001172420.2); short protein forms R134Q, R153Q.
Identifiers: ClinVar variation 1062675 (VCV001062675.10), dbSNP rs745600475, ClinGen allele CA3855746.

ClinVar aggregate classification (germline): Uncertain significance (1 of 4 stars; one submission).

Conditions:
Myoclonic epilepsy, juvenile, susceptibility to, 1. Also called: Myoclonic Epilepsy, Juvenile, 1; EJM1. Identifiers: MedGen C1850778, MONDO:0020752, OMIM 254770.
Absence seizure. Also called: Absence epilepsy. Identifiers: Orphanet 1941, MedGen C0014553.

Allele frequency attached by ClinVar (database versions not stated): gnomAD 0.00002.
gnomAD v4.1: 14 of 1,613,884 alleles (0.00087%); highest among the groups gnomAD compares: Admixed American, 0.0067%; no homozygotes.

Submission:

Labcorp Genetics (formerly Invitae), Labcorp
Classification: Uncertain significance for Myoclonic epilepsy, juvenile, susceptibility to, 1; Absence seizure. Last evaluated: 2020-06-16. Review status: criteria provided, single submitter. Criteria: Invitae Variant Classification Sherloc (09022015). Collection method: clinical testing. Allele origin: germline.
Comment: In summary, the available evidence is currently insufficient to determine the role of this variant in disease. Therefore, it has been classified as a Variant of Uncertain Significance. Algorithms developed to predict the effect of missense changes on protein structure and function are either unavailable or do not agree on the potential impact of this missense change (SIFT: "Deleterious"; PolyPhen-2: "Possibly Damaging"; Align-GVGD: "Class C0"). This variant has been observed in one or more individuals who were not affected with juvenile myoclonic epilepsy, as well as in an affected relative (PMID: 22727576). This variant is present in population databases (rs745600475, ExAC 0.02%). This sequence change replaces arginine with glutamine at codon 153 of the EFHC1 protein (p.Arg153Gln). The arginine residue is highly conserved and there is a small physicochemical difference between arginine and glutamine.

Literature cited by the submitters: PubMed 22727576.